The following is an entry in ClinVar:

ClinVar aggregate classification (germline): Uncertain significance (1 of 4 stars; one submission).

Conditions:
Meckel-Gruber syndrome. Also called: GRUBER SYNDROME; DYSENCEPHALIA SPLANCHNOCYSTICA; Dysencephalia splachnocystica. Identifiers: Orphanet 564, MedGen C0265215, MONDO:0018921.
Joubert syndrome. Also called: Familial aplasia of the vermis; JOUBERT-BOLTSHAUSER SYNDROME; CEREBELLOPARENCHYMAL DISORDER IV. Identifiers: Orphanet 475, MedGen C5979921, MONDO:0018772.
Nephronophthisis. Also called: Juvenile Nephronophthisis. Identifiers: Orphanet 655, MedGen C0687120, MONDO:0019005, HP:0000090.

Submission:

Labcorp Genetics (formerly Invitae), Labcorp
Classification: Uncertain significance for Joubert syndrome; Meckel-Gruber syndrome; Nephronophthisis. Last evaluated: 2025-05-01. Review status: criteria provided, single submitter. Criteria: Invitae Variant Classification Sherloc (09022015). Collection method: clinical testing. Allele origin: germline.
Comment: This sequence change replaces lysine, which is basic and polar, with arginine, which is basic and polar, at codon 1220 of the CEP290 protein (p.Lys1220Arg). This variant is not present in population databases (gnomAD no frequency). This variant has not been reported in the literature in individuals affected with CEP290-related conditions. Invitae Evidence Modeling of protein sequence and biophysical properties (such as structural, functional, and spatial information, amino acid conservation, physicochemical variation, residue mobility, and thermodynamic stability) indicates that this missense variant is not expected to disrupt CEP290 protein function with a negative predictive value of 80%. In summary, the available evidence is currently insufficient to determine the role of this variant in disease. Therefore, it has been classified as a Variant of Uncertain Significance.

NM_025114.4(CEP290):c.3659A>G (p.Lys1220Arg)

Gene: CEP290 (centrosomal protein 290; minus strand). Cytogenetic location: 12q21.32.
Variant type: single nucleotide variant.
Coding change: c.3659A>G on transcript NM_025114.4 (MANE Select); coding-DNA position 3659, A replaced by G.
Protein change: p.Lys1220Arg; replaces lysine 1220 with arginine.
Molecular consequence: missense variant.
Genome position (GRCh38, 1-based): chr12:88,089,402, T>C on the plus strand (A>G on the coding strand, the complement: CEP290 is on the minus strand). VCF-style: chr12-88089402-T-C. GRCh37 (hg19) VCF-style: chr12-88483179-T-C.
Other names: short protein forms K1220R.
Identifiers: ClinVar variation 4782891 (VCV004782891.1).
Genomic context (GRCh38, chr12:88,089,402, plus strand): 5'-TGCTCTAAGCGCAAGTTGTAGGCCTCCATCTTCTGCAGTTTAGATGTAATTGACTCCAAC[T>C]TACCAAGAGCAGTAGCCTCACTCAGTTGAAGAGAGACATTATGTTGGTGCAACTTGGCAA-3'
Protein context (NP_079390.3, residues 1210-1230): LQLSEATALG[Lys1220Arg]LESITSKLQK